The following is an entry in ClinVar:

ClinVar aggregate classification (germline): Uncertain significance (1 of 4 stars; one submission).

Allele frequency attached by ClinVar (database versions not stated): gnomAD exomes below 0.00001.
gnomAD v4.1: 7 of 1,611,656 alleles (0.00043%); highest among the groups gnomAD compares: Non-Finnish European, 0.00051%; no homozygotes.

Submission:

Labcorp Genetics (formerly Invitae), Labcorp
Classification: Uncertain significance. Last evaluated: 2024-05-20. Review status: criteria provided, single submitter. Criteria: Invitae Variant Classification Sherloc (09022015). Collection method: clinical testing. Allele origin: germline.
Comment: This sequence change replaces tyrosine, which is neutral and polar, with cysteine, which is neutral and slightly polar, at codon 776 of the LRP5 protein (p.Tyr776Cys). This variant is present in population databases (no rsID available, gnomAD 0.01%). This variant has not been reported in the literature in individuals affected with LRP5-related conditions. ClinVar contains an entry for this variant (Variation ID: 1488175). Advanced modeling of protein sequence and biophysical properties (such as structural, functional, and spatial information, amino acid conservation, physicochemical variation, residue mobility, and thermodynamic stability) performed at Invitae indicates that this missense variant is expected to disrupt LRP5 protein function with a positive predictive value of 95%. In summary, the available evidence is currently insufficient to determine the role of this variant in disease. Therefore, it has been classified as a Variant of Uncertain Significance.

NM_002335.4(LRP5):c.2327A>G (p.Tyr776Cys)

Gene: LRP5 (LDL receptor related protein 5; plus strand). Cytogenetic location: 11q13.2.
Variant type: single nucleotide variant.
Coding change: c.2327A>G on transcript NM_002335.4 (MANE Select); coding-DNA position 2327, A replaced by G.
Protein change: p.Tyr776Cys; replaces tyrosine 776 with cysteine.
Molecular consequence: missense variant.
Genome position (GRCh38, 1-based): chr11:68,411,444, A>G. VCF-style: chr11-68411444-A-G. GRCh37 (hg19) VCF-style: chr11-68178912-A-G.
Other names: c.584A>G, p.Tyr195Cys (NM_001291902.2); short protein forms Y195C, Y776C.
Identifiers: ClinVar variation 1488175 (VCV001488175.8), dbSNP rs1482852595, ClinGen allele CA381616806.